The following is an entry in ClinVar:

ClinVar aggregate classification (germline): Likely benign (1 of 4 stars; one submission).

Allele frequency attached by ClinVar (database versions not stated): TOPMed 0.01774; gnomAD 0.02164; 1000 Genomes Project 30x 0.03232; 1000 Genomes Project 0.03415.
gnomAD v4.1: 3,324 of 152,298 alleles (2.2%); highest among the groups gnomAD compares: South Asian, 11%; 67 homozygotes.

Submission:

GeneDx
Classification: Likely benign. Last evaluated: 2019-06-10. Review status: criteria provided, single submitter. Criteria: GeneDx Variant Classification Process June 2021. Collection method: clinical testing. Allele origin: germline. Affected: yes.
Comment: See Variant Classification Assertion Criteria.

NM_001252024.2(TRPM1):c.3630-200C>T

Gene: TRPM1 (transient receptor potential cation channel subfamily M member 1; minus strand). Cytogenetic location: 15q13.3.
Variant type: single nucleotide variant.
Coding change: c.3630-200C>T on transcript NM_001252024.2 (MANE Select); 200 bases into the intron before coding-DNA position 3630, C replaced by T.
Molecular consequence: intron variant.
Genome position (GRCh38, 1-based): chr15:31,003,270, G>A on the plus strand (C>T on the coding strand, the complement: TRPM1 is on the minus strand). VCF-style: chr15-31003270-G-A. GRCh37 (hg19) VCF-style: chr15-31295473-G-A.
Other names: c.3681-200C>T (NM_001252020.2); c.3564-200C>T (NM_002420.6).
Identifiers: ClinVar variation 1706900 (VCV001706900.2), dbSNP rs142112315, ClinGen allele CA267497795.
Genomic context (GRCh38, chr15:31,003,270, plus strand): 5'-CCCCTAACATGACTACTCGAATTACCATGAGGAGCCACCAGAAAATAATGGAAATAAATA[G>A]TTAATGCATATAGTACTTACTGCTCAGTCATTGTTCTAAGAGCATAATGTTCTCACTAAC-3'